The following is an entry in ClinVar:

ClinVar aggregate classification (germline): Pathogenic (1 of 4 stars; one submission).

Conditions:
Hereditary breast ovarian cancer syndrome. Also called: Hereditary breast and/or ovarian cancer syndrome; Hereditary breast and ovarian cancer; Hereditary breast and ovarian cancer syndrome; Breast and ovarian cancer; Hereditary breast and ovarian cancer syndrome (HBOC); BRCA1- and BRCA2-Associated Hereditary Breast and Ovarian Cancer. Identifiers: Orphanet 145, MedGen C0677776, MeSH D061325, MONDO:0003582. Disease mechanism: loss of function.

Submission:

Labcorp Genetics (formerly Invitae), Labcorp
Classification: Pathogenic for Hereditary breast ovarian cancer syndrome. Last evaluated: 2022-12-22. Review status: criteria provided, single submitter. Criteria: Invitae Variant Classification Sherloc (09022015). Collection method: clinical testing. Allele origin: germline.
Comment: This premature translational stop signal has been observed in individual(s) with breast cancer (PMID: 24094589). This variant is not present in population databases (gnomAD no frequency). This sequence change creates a premature translational stop signal (p.Ser547*) in the BRCA2 gene. It is expected to result in an absent or disrupted protein product. Loss-of-function variants in BRCA2 are known to be pathogenic (PMID: 20104584). For these reasons, this variant has been classified as Pathogenic.

Literature cited by the submitters: PubMed 24094589; PubMed 20104584.

NM_000059.4(BRCA2):c.1640C>G (p.Ser547Ter)

Gene: BRCA2 (BRCA2 DNA repair associated; plus strand). Cytogenetic location: 13q13.1.
Variant type: single nucleotide variant.
Coding change: c.1640C>G on transcript NM_000059.4 (MANE Select); coding-DNA position 1640, C replaced by G.
Protein change: p.Ser547Ter; replaces serine 547 with a stop codon.
Molecular consequence: nonsense. On other transcripts: non-coding transcript variant (1), intron variant (1).
Genome position (GRCh38, 1-based): chr13:32,333,118, C>G. VCF-style: chr13-32333118-C-G. GRCh37 (hg19) VCF-style: chr13-32907255-C-G.
Other names: c.1640C>G, p.Ser547Ter (NM_001406719.1, NM_001406720.1, NM_001406721.1); c.424+2088C>G (NM_001406722.1); short protein forms S547*.
Identifiers: ClinVar variation 2823140 (VCV002823140.3), dbSNP rs80358449, ClinGen allele CA387764962.